The following is an entry in ClinVar:

NM_003128.3(SPTBN1):c.6244-1G>C

Gene: SPTBN1 (spectrin beta, non-erythrocytic 1; plus strand). Cytogenetic location: 2p16.2.
Variant type: single nucleotide variant.
Coding change: c.6244-1G>C on transcript NM_003128.3 (MANE Select); the canonical splice acceptor site of the intron before coding-DNA position 6244, G replaced by C.
Molecular consequence: splice acceptor variant.
Genome position (GRCh38, 1-based): chr2:54,659,153, G>C. VCF-style: chr2-54659153-G-C. GRCh37 (hg19) VCF-style: chr2-54886290-G-C.
Other names: c.6205-1G>C (NM_178313.3).
Identifiers: ClinVar variation 3254913 (VCV003254913.1), dbSNP rs2549575000.

ClinVar aggregate classification (germline): Likely pathogenic (1 of 4 stars; one submission).

Conditions:
Developmental delay, impaired speech, and behavioral abnormalities. Identifiers: MedGen C5561957, MONDO:0859178, OMIM 619475.

Submission:

Victorian Clinical Genetics Services, Murdoch Childrens Research Institute
Classification: Likely pathogenic for Developmental delay, impaired speech, and behavioral abnormalities. Last evaluated: 2023-07-17. Review status: criteria provided, single submitter. Criteria: ACMG Guidelines, 2015. Collection method: clinical testing. Allele origin: germline. Inheritance: Autosomal dominant inheritance. Affected: yes.
Comment: Based on the classification scheme VCGS_Germline_v1.3.4, this variant is classified as Likely pathogenic. Following criteria are met: 0102 - Loss of function is a known mechanism of disease in this gene and is associated with developmental delay, impaired speech, and behavioural abnormalities (MIM#619475). (I) 0107 - This gene is associated with autosomal dominant disease. (I) 0211 - Canonical splice site variant without proven consequence on splicing (no functional evidence available). (SP) 0251 - This variant is heterozygous. (I) 0301 - Variant is absent from gnomAD (both v2 and v3). (SP) 0505 - Abnormal splicing is predicted by in silico tools and affected nucleotide is highly conserved. (SP) 0705 - No comparable splice site variants have previous evidence for pathogenicity. (I) 0807 - This variant has no previous evidence of pathogenicity. (I) 0905 - No published segregation evidence has been identified for this variant. (I) 1007 - No published functional evidence has been identified for this variant. (I) 1208 - Inheritance information for this variant is not currently available in this individual. (I) Legend: (SP) - Supporting pathogenic, (I) - Information, (SB) - Supporting benign